The following is an entry in ClinVar:

NM_004366.6(CLCN2):c.1478G>A (p.Arg493Gln)

Gene: CLCN2 (chloride voltage-gated channel 2; minus strand). Cytogenetic location: 3q27.1.
Variant type: single nucleotide variant.
Coding change: c.1478G>A on transcript NM_004366.6 (MANE Select); coding-DNA position 1478, G replaced by A.
Protein change: p.Arg493Gln; replaces arginine 493 with glutamine.
Molecular consequence: missense variant.
Genome position (GRCh38, 1-based): chr3:184,354,577, C>T on the plus strand (G>A on the coding strand, the complement: CLCN2 is on the minus strand). VCF-style: chr3-184354577-C-T. GRCh37 (hg19) VCF-style: chr3-184072365-C-T.
Other names: c.1427G>A, p.Arg476Gln (NM_001171087.3); c.1346G>A, p.Arg449Gln (NM_001171088.3); c.1478G>A, p.Arg493Gln (NM_001171089.3); short protein forms R449Q, R476Q, R493Q.
Identifiers: ClinVar variation 3376586 (VCV003376586.3).

ClinVar aggregate classification (germline): Uncertain significance. Review status: criteria provided, multiple submitters, no conflicts (2 of 4 stars). 3 submissions from 3 submitters: Uncertain significance (3). Last evaluated 2025-08-30.

Conditions:
Epilepsy, idiopathic generalized, susceptibility to, 11 (EIG11). Identifiers: Orphanet 307, MedGen C2750893, MONDO:0011875, OMIM 607628.
Leukoencephalopathy with mild cerebellar ataxia and white matter edema (LKPAT). Also called: CLCN2-Related Leukoencephalopathy; Leukoencephalopathy with ataxia; Leukoencephalopathy with white matter edema; Brain white matter edema. Identifiers: Orphanet 363540, MedGen C4554120, MONDO:0014292, OMIM 615651. Disease mechanism: loss of function.
Familial hyperaldosteronism type II. Also called: FH II. Identifiers: Orphanet 404, MedGen C1854107, MONDO:0011576, OMIM 605635.

gnomAD v4.1: 21 of 1,613,042 alleles (0.0013%); highest among the groups gnomAD compares: African/African-American, 0.004%; no homozygotes.

Submissions (3):

Labcorp Genetics (formerly Invitae), Labcorp
Classification: Uncertain significance. Last evaluated: 2025-08-30. Review status: criteria provided, single submitter. Criteria: Invitae Variant Classification Sherloc (09022015). Collection method: clinical testing. Allele origin: germline.
Comment: This sequence change replaces arginine, which is basic and polar, with glutamine, which is neutral and polar, at codon 493 of the CLCN2 protein (p.Arg493Gln). This variant is present in population databases (rs142706042, gnomAD 0.004%). This variant has not been reported in the literature in individuals affected with CLCN2-related conditions. ClinVar contains an entry for this variant (Variation ID: 3376586). Invitae Evidence Modeling of protein sequence and biophysical properties (such as structural, functional, and spatial information, amino acid conservation, physicochemical variation, residue mobility, and thermodynamic stability) indicates that this missense variant is not expected to disrupt CLCN2 protein function with a negative predictive value of 80%. In summary, the available evidence is currently insufficient to determine the role of this variant in disease. Therefore, it has been classified as a Variant of Uncertain Significance.

Fulgent Genetics
Classification: Uncertain significance for Familial hyperaldosteronism type II; Epilepsy, idiopathic generalized, susceptibility to, 11; Leukoencephalopathy with mild cerebellar ataxia and white matter edema. Last evaluated: 2024-03-08. Review status: criteria provided, single submitter. Criteria: ACMG Guidelines, 2015. Collection method: clinical testing. Allele origin: germline.

Victorian Clinical Genetics Services, Murdoch Childrens Research Institute
Classification: Uncertain significance for Leukoencephalopathy with mild cerebellar ataxia and white matter edema. Last evaluated: 2022-02-02. Review status: criteria provided, single submitter. Criteria: ACMG Guidelines, 2015. Collection method: clinical testing. Allele origin: germline. Inheritance: Autosomal recessive inheritance.
Comment: Based on the classification scheme VCGS_Germline_v1.3.4, this variant is classified as VUS-3A Following criteria are met: 0103 - Loss of function and gain of function are known mechanisms of disease in this gene and are associated with leukoencephalopathy with ataxia (MIM#615651) and hyperaldosteronism, familial, type II (MIM#605635), respectively (PMID: 29403011, 23707145). (I) 0108 - This gene is associated with both recessive and dominant disease. Autosomal recessive leukoencephalopathy with ataxia (MIM#615651) are mostly associated with null variants while autosomal dominant hyperaldosteronism, familial, type II (MIM#605635) are associated with missense variants (PMID: 31291907, 29403011). (I) 0200 - Variant is predicted to result in a missense amino acid change from arginine to glutamine. (I) 0251 - This variant is heterozygous. (I) 0304 - Variant is present in gnomAD (v3) <0.01 for a recessive condition (6 heterozygotes, 0 homozygotes). (SP) 0309 - An alternative amino acid change at the same position has been observed in gnomAD (v2) (7 heterozygotes, 1 homozygote). (I) 0502 - Missense variant with conflicting in silico predictions and uninformative conservation. (I) 0600 - Variant is located in the annotated voltage gated chloride channel (DECIPHER, NCBI). (I) 0705 - No comparable missense variants have previous evidence for pathogenicity. (I) 0807 - This variant has no previous evidence of pathogenicity. (I) 0905 - No published segregation evidence has been identified for this variant. (I) 1007 - No published functional evidence has been identified for this variant. (SP) Legend: (SP) - Supporting pathogenic, (I) - Information, (SB) - Supporting benign

Literature cited by the submitters: PubMed 23707145 (cited by Victorian Clinical Genetics Services, Murdoch Childrens Research Institute); PubMed 29403011 (cited by Victorian Clinical Genetics Services, Murdoch Childrens Research Institute); PubMed 31291907 (cited by Victorian Clinical Genetics Services, Murdoch Childrens Research Institute).